The following is an entry in ClinVar:

NM_004655.4(AXIN2):c.800T>C (p.Val267Ala)

Gene: AXIN2 (axin 2; minus strand). Cytogenetic location: 17q24.1.
Variant type: single nucleotide variant.
Coding change: c.800T>C on transcript NM_004655.4 (MANE Select); coding-DNA position 800, T replaced by C.
Protein change: p.Val267Ala; replaces valine 267 with alanine.
Molecular consequence: missense variant.
Genome position (GRCh38, 1-based): chr17:65,557,821, A>G on the plus strand (T>C on the coding strand, the complement: AXIN2 is on the minus strand). VCF-style: chr17-65557821-A-G. GRCh37 (hg19) VCF-style: chr17-63553939-A-G.
Other names: c.800T>C, p.Val267Ala (NM_001363813.1); short protein forms V267A.
Identifiers: ClinVar variation 2761261 (VCV002761261.4), dbSNP rs2544246825, ClinGen allele CA400680224.
Genomic context (GRCh38, chr17:65,557,821, plus strand): 5'-GCAAAGTCCACAGCATCAGCCCACCCGCCCCCGTCAAAGTCTTACCTGTATCCACTGTCA[A>G]CAGTTTCCGTGGACCTCACACTCGCCGTGGCCCTCAGAGTTTTGCTGGACAAGCCAACCA-3'
Protein context (NP_004646.3, residues 257-277): ATASVRSTET[Val267Ala]DSGYRSFKRS

ClinVar aggregate classification (germline): Uncertain significance. Review status: criteria provided, multiple submitters, no conflicts (2 of 4 stars). 2 submissions from 2 submitters: Uncertain significance (2). Last evaluated 2026-01-12.

Conditions:
Hereditary cancer-predisposing syndrome. Also called: Neoplastic Syndromes, Hereditary; Hereditary Cancer Syndrome; Hereditary neoplastic syndrome; Tumor predisposition. Identifiers: Orphanet 140162, MedGen C0027672, MeSH D009386, MONDO:0015356.
Oligodontia-cancer predisposition syndrome. Also called: TOOTH AGENESIS-COLORECTAL CANCER SYNDROME. Identifiers: Orphanet 300576, MedGen C1837750, MONDO:0012075, OMIM 608615. Disease mechanism: loss of function.

Allele frequency attached by ClinVar (database versions not stated): gnomAD exomes below 0.00001.
gnomAD v4.1: 1 of 1,614,166 alleles (0.000062%); highest among the groups gnomAD compares: Non-Finnish European, 0.000085%; no homozygotes.

Submissions (2):

Labcorp Genetics (formerly Invitae), Labcorp
Classification: Uncertain significance for Oligodontia-cancer predisposition syndrome. Last evaluated: 2026-01-12. Review status: criteria provided, single submitter. Criteria: Invitae Variant Classification Sherloc (09022015). Collection method: clinical testing. Allele origin: germline.
Comment: This sequence change replaces valine, which is neutral and non-polar, with alanine, which is neutral and non-polar, at codon 267 of the AXIN2 protein (p.Val267Ala). This variant is not present in population databases (gnomAD no frequency). This variant has not been reported in the literature in individuals affected with AXIN2-related conditions. ClinVar contains an entry for this variant (Variation ID: 2761261). Invitae Evidence Modeling of protein sequence and biophysical properties (such as structural, functional, and spatial information, amino acid conservation, physicochemical variation, residue mobility, and thermodynamic stability) indicates that this missense variant is not expected to disrupt AXIN2 protein function with a negative predictive value of 80%. In summary, the available evidence is currently insufficient to determine the role of this variant in disease. Therefore, it has been classified as a Variant of Uncertain Significance.

Ambry Genetics
Classification: Uncertain significance for Hereditary cancer-predisposing syndrome. Last evaluated: 2024-10-17. Review status: criteria provided, single submitter. Criteria: Ambry Variant Classification Scheme 2023. Collection method: clinical testing. Allele origin: germline.
Comment: The p.V267A variant (also known as c.800T>C), located in coding exon 1 of the AXIN2 gene, results from a T to C substitution at nucleotide position 800. The valine at codon 267 is replaced by alanine, an amino acid with similar properties. This amino acid position is conserved. In addition, this alteration is predicted to be tolerated by in silico analysis. Based on the available evidence, the clinical significance of this variant remains unclear.